The following is an entry in ClinVar:

NM_004963.4(GUCY2C):c.784C>T (p.Arg262Ter)

Genes: GUCY2C (guanylate cyclase 2C; minus strand), GUCY2C-AS1 (GUCY2C antisense RNA 1; plus strand). Cytogenetic location: 12p12.3.
Variant type: single nucleotide variant.
Coding change: c.784C>T on transcript NM_004963.4 (MANE Select); coding-DNA position 784, C replaced by T.
Protein change: p.Arg262Ter; replaces arginine 262 with a stop codon.
Molecular consequence: nonsense.
Genome position (GRCh38, 1-based): chr12:14,679,703, G>A on the plus strand (C>T on the coding strand, the complement: GUCY2C is on the minus strand). VCF-style: chr12-14679703-G-A. GRCh37 (hg19) VCF-style: chr12-14832637-G-A.
Other names: short protein forms R262*.
Identifiers: ClinVar variation 1935431 (VCV001935431.10), dbSNP rs762829348, ClinGen allele CA6463656.

ClinVar aggregate classification (germline): Conflicting classifications of pathogenicity. Review status: criteria provided, conflicting classifications (1 of 4 stars). 4 submissions from 4 submitters: Likely pathogenic (2); Uncertain significance (2). Last evaluated 2026-02-06.

Conditions:
Fetal anomalies with a likely genetic cause.
Intestinal obstruction in the newborn due to guanylate cyclase 2C deficiency. Identifiers: Orphanet 314376, MedGen C4518781, MONDO:0013843, OMIM 614665.

Allele frequency attached by ClinVar (database versions not stated): ExAC 0.00001.

Submissions (4):

Genetics Laboratory, Great Ormond Street Hospital NHS Foundation Trust, North Thames Genomic Laboratory Hub
Classification: Likely pathogenic for Fetal anomalies with a likely genetic cause. Last evaluated: 2026-02-06. Review status: criteria provided, single submitter. Criteria: ACGS Best Practice Guidelines for Variant Classification in Rare Disease 2024 v1.2. Collection method: clinical testing. Allele origin: germline. Affected: yes.
Comment: PM2_moderate, PVS1_strong

Labcorp Genetics (formerly Invitae), Labcorp
Classification: Uncertain significance. Last evaluated: 2024-04-03. Review status: criteria provided, single submitter. Criteria: Invitae Variant Classification Sherloc (09022015). Collection method: clinical testing. Allele origin: germline.
Comment: This sequence change creates a premature translational stop signal (p.Arg262*) in the GUCY2C gene. It is expected to result in an absent or disrupted protein product. However, the current clinical and genetic evidence is not sufficient to establish whether loss-of-function variants in GUCY2C cause disease. This variant is present in population databases (rs762829348, gnomAD 0.0009%). This variant has not been reported in the literature in individuals affected with GUCY2C-related conditions. ClinVar contains an entry for this variant (Variation ID: 1935431). In summary, the available evidence is currently insufficient to determine the role of this variant in disease. Therefore, it has been classified as a Variant of Uncertain Significance.

Genomic Medicine Center of Excellence, King Faisal Specialist Hospital and Research Centre
Classification: Likely pathogenic for Intestinal obstruction in the newborn due to guanylate cyclase 2C deficiency. Last evaluated: 2024-03-26. Review status: criteria provided, single submitter. Criteria: ACMG Guidelines, 2015. Collection method: clinical testing. Allele origin: germline.

Revvity Omics, Revvity
Classification: Uncertain significance. Last evaluated: 2021-09-29. Review status: criteria provided, single submitter. Criteria: ACMG Guidelines, 2015. Collection method: clinical testing. Allele origin: germline.